The following is an entry in ClinVar:

ClinVar aggregate classification (germline): Uncertain significance (1 of 4 stars; one submission).

Conditions:
PCSK1-related disorder. Also called: PCSK1-related condition.

Allele frequency attached by ClinVar (database versions not stated): gnomAD exomes below 0.00001; TOPMed below 0.00001.
gnomAD v4.1: 1 of 1,605,202 alleles (0.000062%); highest among the groups gnomAD compares: Non-Finnish European, 0.000085%; no homozygotes.

Submission:

PreventionGenetics, part of Exact Sciences
Classification: Uncertain significance for PCSK1-related condition. Last evaluated: 2023-10-05. Review status: criteria provided, single submitter. Criteria: ACMG Guidelines, 2015. Collection method: clinical testing. Allele origin: germline.
Comment: The PCSK1 c.233G>A variant is predicted to result in the amino acid substitution p.Arg78Lys. To our knowledge, this variant has not been reported in the literature or in a large population database, indicating this variant is rare. At this time, the clinical significance of this variant is uncertain due to the absence of conclusive functional and genetic evidence.

NM_000439.5(PCSK1):c.233G>A (p.Arg78Lys)

Genes: CAST (calpastatin; plus strand), PCSK1 (proprotein convertase subtilisin/kexin type 1; minus strand), LOC101929710 (uncharacterized LOC101929710; plus strand). Cytogenetic location: 5q15.
Variant type: single nucleotide variant.
Coding change: c.233G>A on transcript NM_000439.5 (MANE Select); coding-DNA position 233, G replaced by A.
Protein change: p.Arg78Lys; replaces arginine 78 with lysine.
Molecular consequence: missense variant. On other transcripts: intron variant (11).
Genome position (GRCh38, 1-based): chr5:96,429,265, C>T on the plus strand (G>A on the coding strand, the complement: PCSK1 is on the minus strand). VCF-style: chr5-96429265-C-T. GRCh37 (hg19) VCF-style: chr5-95764969-C-T.
Other names: c.92G>A, p.Arg31Lys (NM_001177875.2); c.-175+49613C>T (NM_001423254.1, NM_001423259.1, NM_001423255.1 and 6 more transcripts); c.-103+49613C>T (NM_001423253.1); c.-40+49613C>T (NM_001423258.1); short protein forms R31K, R78K.
Identifiers: ClinVar variation 2629613 (VCV002629613.1), dbSNP rs1761415135, ClinGen allele CA360485250.